The following is an entry in ClinVar:

NM_172107.4(KCNQ2):c.2477C>G (p.Pro826Arg)

Gene: KCNQ2 (potassium voltage-gated channel subfamily Q member 2; minus strand). Cytogenetic location: 20q13.33.
Variant type: single nucleotide variant.
Coding change: c.2477C>G on transcript NM_172107.4 (MANE Select); coding-DNA position 2477, C replaced by G.
Protein change: p.Pro826Arg; replaces proline 826 with arginine.
Molecular consequence: missense variant.
Genome position (GRCh38, 1-based): chr20:63,406,786, G>C on the plus strand (C>G on the coding strand, the complement: KCNQ2 is on the minus strand). VCF-style: chr20-63406786-G-C. GRCh37 (hg19) VCF-style: chr20-62038139-G-C.
Other names: c.2531C>G, p.Pro844Arg (NM_001382235.1); c.2393C>G, p.Pro798Arg (NM_004518.6); c.2423C>G, p.Pro808Arg (NM_172106.3); c.2384C>G, p.Pro795Arg (NM_172108.5); short protein forms P795R, P798R, P808R, P826R, P844R.
Identifiers: ClinVar variation 1314255 (VCV001314255.2), dbSNP rs2145482883, ClinGen allele CA409636910.

ClinVar aggregate classification (germline): Uncertain significance (1 of 4 stars; one submission).

Submission:

GeneDx
Classification: Uncertain significance. Last evaluated: 2021-04-06. Review status: criteria provided, single submitter. Criteria: GeneDx Variant Classification Process June 2021. Collection method: clinical testing. Allele origin: germline. Affected: yes.
Comment: Not observed in large population cohorts (Lek et al., 2016); Missense variants in this gene are often considered pathogenic (Stenson et al., 2014); In silico analysis supports that this missense variant does not alter protein structure/function; Has not been previously published as pathogenic or benign to our knowledge; Located within the C-terminal cytoplasmic domain